The following is an entry in ClinVar:

ClinVar aggregate classification (germline): Uncertain significance. Review status: criteria provided, multiple submitters, no conflicts (2 of 4 stars). 2 submissions from 2 submitters: Uncertain significance (2). Last evaluated 2022-06-04.

Allele frequency attached by ClinVar (database versions not stated): gnomAD exomes below 0.00001.
gnomAD v4.1: 1 of 1,551,686 alleles (0.000064%); highest among the groups gnomAD compares: Non-Finnish European, 0.000087%; no homozygotes.

Submissions (2):

Labcorp Genetics (formerly Invitae), Labcorp
Classification: Uncertain significance. Last evaluated: 2022-06-04. Review status: criteria provided, single submitter. Criteria: Invitae Variant Classification Sherloc (09022015). Collection method: clinical testing. Allele origin: germline.
Comment: This sequence change replaces glycine, which is neutral and non-polar, with serine, which is neutral and polar, at codon 2872 of the EYS protein (p.Gly2872Ser). This variant is not present in population databases (gnomAD no frequency). This variant has not been reported in the literature in individuals affected with EYS-related conditions. Algorithms developed to predict the effect of missense changes on protein structure and function are either unavailable or do not agree on the potential impact of this missense change (SIFT: "Deleterious"; PolyPhen-2: "Probably Damaging"; Align-GVGD: "Class C0"). Algorithms developed to predict the effect of sequence changes on RNA splicing suggest that this variant may create or strengthen a splice site. In summary, the available evidence is currently insufficient to determine the role of this variant in disease. Therefore, it has been classified as a Variant of Uncertain Significance.

Blueprint Genetics
Classification: Uncertain significance. Last evaluated: 2019-08-02. Review status: criteria provided, single submitter. Criteria: ACMG Guidelines, 2015. Collection method: clinical testing. Allele origin: germline.

NM_001142800.2(EYS):c.8614G>A (p.Gly2872Ser)

Genes: EYS (EGF-like photoreceptor maintenance factor; minus strand), PHF3 (PHD finger protein 3; plus strand). Cytogenetic location: 6q12.
Variant type: single nucleotide variant.
Coding change: c.8614G>A on transcript NM_001142800.2 (MANE Select); coding-DNA position 8614, G replaced by A.
Protein change: p.Gly2872Ser; replaces glycine 2872 with serine.
Molecular consequence: missense variant. On other transcripts: 3 prime UTR variant (5).
Genome position (GRCh38, 1-based): chr6:63,721,417, C>T on the plus strand (G>A on the coding strand, the complement: EYS is on the minus strand). VCF-style: chr6-63721417-C-T. GRCh37 (hg19) VCF-style: chr6-64431313-C-T.
Other names: c.*7709C>T (NM_001290259.2, NM_001370348.2, NM_001370349.2 and 2 more transcripts); c.8677G>A, p.Gly2893Ser (NM_001292009.2); short protein forms G2893S, G2872S.
Identifiers: ClinVar variation 1942752 (VCV001942752.3), dbSNP rs2533391005, ClinGen allele CA364384369.